The following is an entry in ClinVar:

NM_139276.3(STAT3):c.861G>T (p.Leu287Phe)

Gene: STAT3 (signal transducer and activator of transcription 3; minus strand). Cytogenetic location: 17q21.2.
Variant type: single nucleotide variant.
Coding change: c.861G>T on transcript NM_139276.3 (MANE Select); coding-DNA position 861, G replaced by T.
Protein change: p.Leu287Phe; replaces leucine 287 with phenylalanine.
Molecular consequence: missense variant.
Genome position (GRCh38, 1-based): chr17:42,333,986, C>A on the plus strand (G>T on the coding strand, the complement: STAT3 is on the minus strand). VCF-style: chr17-42333986-C-A. GRCh37 (hg19) VCF-style: chr17-40486004-C-A.
Other names: c.861G>T, p.Leu287Phe (NM_001369512.1, NM_001369513.1, NM_001369514.1 and 15 more transcripts); c.783G>T, p.Leu261Phe (NM_001384985.1); c.765G>T, p.Leu255Phe (NM_001384989.1); short protein forms L261F, L255F, L287F.
Identifiers: ClinVar variation 1470407 (VCV001470407.8), dbSNP rs2144832509, ClinGen allele CA399591288.

ClinVar aggregate classification (germline): Likely pathogenic (1 of 4 stars; one submission).

Conditions:
STAT3 gain of function. Identifiers: MedGen C4288261.
Hyper-IgE recurrent infection syndrome 1, autosomal dominant. Also called: STAT3 Hyper IgE Syndrome; HYPER-IgE SYNDROME 1, AUTOSOMAL DOMINANT, WITH RECURRENT INFECTIONS; JOB SYNDROME; Job's Syndrome; Hyper-IgE recurrent infection syndrome 1. Identifiers: Orphanet 2314, MedGen C2936739, MONDO:0007818, OMIM 147060.

Submission:

Labcorp Genetics (formerly Invitae), Labcorp
Classification: Likely pathogenic for STAT3 gain of function; Hyper-IgE recurrent infection syndrome 1, autosomal dominant. Last evaluated: 2021-04-16. Review status: criteria provided, single submitter. Criteria: Invitae Variant Classification Sherloc (09022015). Collection method: clinical testing. Allele origin: germline.
Comment: In summary, the currently available evidence indicates that the variant is pathogenic, but additional data are needed to prove that conclusively. Therefore, this variant has been classified as Likely Pathogenic. Algorithms developed to predict the effect of missense changes on protein structure and function are either unavailable or do not agree on the potential impact of this missense change (SIFT: "Deleterious"; PolyPhen-2: "Probably Damaging"; Align-GVGD: "Class C0"). This variant has been observed in individual(s) with clinical features of STAT3 gain-of-function (Invitae). In at least one individual the variant was observed to be de novo. This variant is not present in population databases (ExAC no frequency). This sequence change replaces leucine with phenylalanine at codon 287 of the STAT3 protein (p.Leu287Phe). The leucine residue is highly conserved and there is a small physicochemical difference between leucine and phenylalanine.